The following is an entry in ClinVar:

NM_003954.5(MAP3K14):c.2167G>A (p.Glu723Lys)

Genes: MAP3K14 (mitogen-activated protein kinase kinase kinase 14; minus strand), MAP3K14-AS1 (MAP3K14 antisense RNA 1; plus strand), LOC126862575 (CDK7 strongly-dependent group 2 enhancer GRCh37_chr17:43344006-43345205; plus strand). Cytogenetic location: 17q21.31.
Variant type: single nucleotide variant.
Coding change: c.2167G>A on transcript NM_003954.5 (MANE Select); coding-DNA position 2167, G replaced by A.
Protein change: p.Glu723Lys; replaces glutamic acid 723 with lysine.
Molecular consequence: missense variant.
Genome position (GRCh38, 1-based): chr17:45,267,565, C>T on the plus strand (G>A on the coding strand, the complement: MAP3K14 is on the minus strand). VCF-style: chr17-45267565-C-T. GRCh37 (hg19) VCF-style: chr17-43344932-C-T.
Other names: short protein forms E723K.
Identifiers: ClinVar variation 1447736 (VCV001447736.5), dbSNP rs2143771785, ClinGen allele CA399875473.

ClinVar aggregate classification (germline): Uncertain significance (1 of 4 stars; one submission).

Conditions:
NIK deficiency. Also called: Primary immunodeficiency with multifaceted aberrant lymphoid immunity. Identifiers: Orphanet 447731, MedGen C5680065, MONDO:0018642.

Submission:

Labcorp Genetics (formerly Invitae), Labcorp
Classification: Uncertain significance for NIK deficiency. Last evaluated: 2021-10-01. Review status: criteria provided, single submitter. Criteria: Invitae Variant Classification Sherloc (09022015). Collection method: clinical testing. Allele origin: germline.
Comment: This sequence change replaces glutamic acid with lysine at codon 723 of the MAP3K14 protein (p.Glu723Lys). The glutamic acid residue is highly conserved and there is a small physicochemical difference between glutamic acid and lysine. This variant is not present in population databases (ExAC no frequency). This variant has not been reported in the literature in individuals affected with MAP3K14-related conditions. Experimental studies and prediction algorithms are not available or were not evaluated, and the functional significance of this variant is currently unknown. In summary, the available evidence is currently insufficient to determine the role of this variant in disease. Therefore, it has been classified as a Variant of Uncertain Significance.